The following is an entry in ClinVar:

ClinVar aggregate classification (germline): Conflicting classifications of pathogenicity. Review status: criteria provided, conflicting classifications (1 of 4 stars). 2 submissions from 2 submitters: Likely pathogenic (1); Uncertain significance (1). Last evaluated 2026-08-28.

Conditions:
Tyrosinase-positive oculocutaneous albinism (OCA2). Also called: ALBINISM II; Albinism, oculocutaneous, type II; Oculocutaneous albinism type 2. Identifiers: Orphanet 79432, MedGen C0268495, MONDO:0008746, OMIM 203200.

Allele frequency attached by ClinVar (database versions not stated): gnomAD 0.00001; TOPMed 0.00002; ESP Exome Variant Server 0.00008.
gnomAD v4.1: 1 of 1,614,084 alleles (0.000062%); highest among the groups gnomAD compares: African/African-American, 0.0013%; no homozygotes.

Submissions (2):

Myriad Genetics, Inc.
Classification: Uncertain significance for Tyrosinase-positive oculocutaneous albinism. Last evaluated: 2026-08-28. Review status: criteria provided, single submitter. Criteria: Myriad Autosomal Dominant, Autosomal Recessive and X-Linked Classification Criteria (2023). Collection method: clinical testing. Allele origin: unknown.
Comment: NM_000275.2(OCA2):c.1481C>T(S494F) is a missense variant classified as a variant of uncertain significance in the context of oculocutaneous albinism, OCA2-related. S494F has been observed in a case with relevant disease (PMID: 29345414). Relevant functional assessments of this variant are not available in the literature. S494F has not been observed in referenced population frequency databases. In summary, there is insufficient evidence to classify NM_000275.2(OCA2):c.1481C>T(S494F) as pathogenic or benign. Please note: this variant was assessed in the context of healthy population screening.

Laboratoire de Génétique Moléculaire, CHU Bordeaux
Classification: Likely pathogenic for Tyrosinase-positive oculocutaneous albinism. Review status: criteria provided, single submitter. Criteria: ACMG Guidelines, 2015. Collection method: clinical testing. Allele origin: germline. Affected: yes.

Literature cited by the submitters: PubMed 29345414 (cited by Myriad Genetics, Inc.).

NM_000275.3(OCA2):c.1481C>T (p.Ser494Phe)

Gene: OCA2 (OCA2 melanosomal transmembrane protein; minus strand). Cytogenetic location: 15q13.1.
Variant type: single nucleotide variant.
Coding change: c.1481C>T on transcript NM_000275.3 (MANE Select); coding-DNA position 1481, C replaced by T.
Protein change: p.Ser494Phe; replaces serine 494 with phenylalanine.
Molecular consequence: missense variant.
Genome position (GRCh38, 1-based): chr15:27,983,367, G>A on the plus strand (C>T on the coding strand, the complement: OCA2 is on the minus strand). VCF-style: chr15-27983367-G-A. GRCh37 (hg19) VCF-style: chr15-28228513-G-A.
Other names: c.1409C>T, p.Ser470Phe (NM_001300984.2); short protein forms S470F, S494F.
Identifiers: ClinVar variation 2430236 (VCV002430236.2), dbSNP rs370239668, ClinGen allele CA267890242.